The following is an entry in ClinVar:

NM_017617.5(NOTCH1):c.581C>T (p.Thr194Ile)

Gene: NOTCH1 (notch receptor 1; minus strand). Cytogenetic location: 9q34.3.
Variant type: single nucleotide variant.
Coding change: c.581C>T on transcript NM_017617.5 (MANE Select); coding-DNA position 581, C replaced by T.
Protein change: p.Thr194Ile; replaces threonine 194 with isoleucine.
Molecular consequence: missense variant.
Genome position (GRCh38, 1-based): chr9:136,523,011, G>A on the plus strand (C>T on the coding strand, the complement: NOTCH1 is on the minus strand). VCF-style: chr9-136523011-G-A. GRCh37 (hg19) VCF-style: chr9-139417463-G-A.
Other names: short protein forms T194I.
Identifiers: ClinVar variation 836658 (VCV000836658.15), dbSNP rs760005580, ClinGen allele CA5342121.

ClinVar aggregate classification (germline): Conflicting classifications of pathogenicity. Review status: criteria provided, conflicting classifications (1 of 4 stars). 6 submissions from 5 submitters: Uncertain significance (5); Benign (1). Last evaluated 2025-08-12.

Conditions:
Familial thoracic aortic aneurysm and aortic dissection (TAAD). Also called: Thoracic aortic aneurysms and dissections. Identifiers: Orphanet 91387, MedGen C4707243, MONDO:0019625.
Aortic valve disease 1 (AOVD1). Identifiers: MedGen C3887892, MONDO:0024523, OMIM 109730.
Adams-Oliver syndrome 5 (AOS5). Identifiers: Orphanet 974, MedGen C4014970, MONDO:0014459, OMIM 616028.

Allele frequency attached by ClinVar (database versions not stated): gnomAD 0.00001; gnomAD exomes 0.00002 and 0.00004; TOPMed 0.00002; ExAC 0.00005.
gnomAD v4.1: 57 of 1,551,760 alleles (0.0037%); highest among the groups gnomAD compares: Non-Finnish European, 0.0043%; no homozygotes.

Submissions (6):

Labcorp Genetics (formerly Invitae), Labcorp
Classification: Benign for Adams-Oliver syndrome 5. Last evaluated: 2025-08-12. Review status: criteria provided, single submitter. Criteria: Invitae Variant Classification Sherloc (09022015). Collection method: clinical testing. Allele origin: germline.

GeneDx
Classification: Uncertain significance. Last evaluated: 2024-08-28. Review status: criteria provided, single submitter. Criteria: GeneDx Variant Classification Process June 2021. Collection method: clinical testing. Allele origin: germline. Affected: yes.
Comment: Has not been previously published as pathogenic or benign to our knowledge; In silico analysis indicates that this missense variant does not alter protein structure/function

Ambry Genetics
Classification: Uncertain significance for Familial thoracic aortic aneurysm and aortic dissection. Last evaluated: 2024-05-05. Review status: criteria provided, single submitter. Criteria: Ambry Variant Classification Scheme 2023. Collection method: clinical testing. Allele origin: germline.
Comment: The p.T194I variant (also known as c.581C>T), located in coding exon 4 of the NOTCH1 gene, results from a C to T substitution at nucleotide position 581. The threonine at codon 194 is replaced by isoleucine, an amino acid with similar properties. This amino acid position is not well conserved in available vertebrate species. In addition, this alteration is predicted to be tolerated by in silico analysis. Since supporting evidence is limited at this time, the clinical significance of this alteration remains unclear.

CHEO Genetics Diagnostic Laboratory, Children's Hospital of Eastern Ontario
Classification: Uncertain significance for Familial thoracic aortic aneurysm and aortic dissection. Last evaluated: 2022-11-08. Review status: criteria provided, single submitter. Criteria: ACMG Guidelines, 2015. Collection method: clinical testing. Allele origin: germline.

Genome-Nilou Lab
Classification: Uncertain significance for Adams-Oliver syndrome 5. Last evaluated: 2022-03-15. Review status: criteria provided, single submitter. Criteria: ACMG Guidelines, 2015. Collection method: clinical testing. Allele origin: germline. Affected: no.

Genome-Nilou Lab
Classification: Uncertain significance for Aortic valve disease 1. Last evaluated: 2022-03-15. Review status: criteria provided, single submitter. Criteria: ACMG Guidelines, 2015. Collection method: clinical testing. Allele origin: germline. Affected: no.